The following is an entry in ClinVar:

NM_000096.4(CP):c.2847T>G (p.Asp949Glu)

Gene: CP (ceruloplasmin; minus strand). Cytogenetic location: 3q24.
Variant type: single nucleotide variant.
Coding change: c.2847T>G on transcript NM_000096.4 (MANE Select); coding-DNA position 2847, T replaced by G.
Protein change: p.Asp949Glu; replaces aspartic acid 949 with glutamic acid.
Molecular consequence: missense variant. On other transcripts: non-coding transcript variant (1).
Genome position (GRCh38, 1-based): chr3:149,178,446, A>C on the plus strand (T>G on the coding strand, the complement: CP is on the minus strand). VCF-style: chr3-149178446-A-C. GRCh37 (hg19) VCF-style: chr3-148896233-A-C.
Other names: short protein forms D949E.
Identifiers: ClinVar variation 1336003 (VCV001336003.4), dbSNP rs201431095, ClinGen allele CA2660632.

ClinVar aggregate classification (germline): Uncertain significance (1 of 4 stars; one submission).

Allele frequency attached by ClinVar (database versions not stated): TOPMed 0.00002; ExAC 0.00001.
gnomAD v4.1: 4 of 1,612,028 alleles (0.00025%); highest among the groups gnomAD compares: African/African-American, 0.0053%; no homozygotes.

Submission:

Genetic Services Laboratory, University of Chicago
Classification: Uncertain significance. Last evaluated: 2020-09-23. Review status: criteria provided, single submitter. Criteria: ACMG Guidelines, 2015. Collection method: clinical testing. Allele origin: germline. Affected: no.
Comment: DNA sequence analysis of the CP gene demonstrated a sequence change, c.2847T>G, in exon 16 that results in an amino acid change, p.Asp949Glu. This sequence change does not appear to have been previously described in patients with CP-related disorders and has been described in the gnomAD database with a low population frequency of 0.0011% (dbSNP rs201431095). The p.Asp949Glu change affects a moderately conserved amino acid residue located in a domain of the CP protein that is known to be functional. In-silico pathogenicity prediction tools (SIFT, PolyPhen2, Align GVGD, REVEL) provide contradictory results for the p.Asp949Glu substitution. Due to these contrasting evidences and the lack of functional studies, the clinical significance of the p.Asp949Glu change remains unknown at this time.